The following is an entry in ClinVar:

NM_006514.4(SCN10A):c.2323A>G (p.Thr775Ala)

Gene: SCN10A (sodium voltage-gated channel alpha subunit 10; minus strand). Cytogenetic location: 3p22.2.
Variant type: single nucleotide variant.
Coding change: c.2323A>G on transcript NM_006514.4 (MANE Select); coding-DNA position 2323, A replaced by G.
Protein change: p.Thr775Ala; replaces threonine 775 with alanine.
Molecular consequence: missense variant.
Genome position (GRCh38, 1-based): chr3:38,728,859, T>C on the plus strand (A>G on the coding strand, the complement: SCN10A is on the minus strand). VCF-style: chr3-38728859-T-C. GRCh37 (hg19) VCF-style: chr3-38770350-T-C.
Other names: c.2323A>G, p.Thr775Ala (NM_001293306.2); c.2029A>G, p.Thr677Ala (NM_001293307.2); short protein forms T677A, T775A.
Identifiers: ClinVar variation 2571695 (VCV002571695.1), dbSNP rs1416423873, ClinGen allele CA352161233.

ClinVar aggregate classification (germline): Uncertain significance (1 of 4 stars; one submission).

Allele frequency attached by ClinVar (database versions not stated): TOPMed below 0.00001; gnomAD exomes 0.00001.
gnomAD v4.1: 8 of 1,613,534 alleles (0.0005%); highest among the groups gnomAD compares: Admixed American, 0.0067%; no homozygotes.

Submission:

GeneDx
Classification: Uncertain significance. Last evaluated: 2023-01-10. Review status: criteria provided, single submitter. Criteria: GeneDx Variant Classification Process June 2021. Collection method: clinical testing. Allele origin: germline. Affected: yes.
Comment: Not observed at significant frequency in large population cohorts (gnomAD); In silico analysis supports that this missense variant does not alter protein structure/function; Has not been previously published as pathogenic or benign to our knowledge